The following is an entry in ClinVar:

ClinVar aggregate classification (germline): Likely benign (1 of 4 stars; one submission).

gnomAD v4.1: 28 of 1,614,088 alleles (0.0017%); highest among the groups gnomAD compares: African/African-American, 0.035%; 1 homozygote.

Submission:

CeGaT Center for Human Genetics Tuebingen
Classification: Likely benign. Last evaluated: 2025-03-01. Review status: criteria provided, single submitter. Criteria: CeGaT Center For Human Genetics Tuebingen Variant Classification Criteria Version 2. Collection method: clinical testing. Allele origin: germline. Affected: yes. Observed: 1 variant allele.
Comment: SLF2: BP4, BP7

NM_018121.4(SLF2):c.717A>C (p.Ser239=)

Gene: SLF2 (SMC5/6 complex localization factor 2; plus strand). Cytogenetic location: 10q24.31.
Variant type: single nucleotide variant.
Coding change: c.717A>C on transcript NM_018121.4 (MANE Select); coding-DNA position 717, A replaced by C.
Protein change: p.Ser239=; no amino-acid change (serine 239 retained).
Molecular consequence: synonymous variant.
Genome position (GRCh38, 1-based): chr10:100,917,102, A>C. VCF-style: chr10-100917102-A-C. GRCh37 (hg19) VCF-style: chr10-102676859-A-C.
Other names: c.717A>C, p.Ser239= (NM_001136123.2).
Identifiers: ClinVar variation 3778348 (VCV003778348.7).
Genomic context (GRCh38, chr10:100,917,102, plus strand): 5'-GAGCAGCCTGTCCAGGCACCACCCGGAAGAAAGCCCACTGGGAGCTAAATTCCAGTTGTC[A>C]CTAGCTTCTTACTGCAGAGAACGAGAACTAAAGAGGTTGAGAAAGGAGCAAATGGAGCAG-3'
Protein context (NP_060591.3, residues 229-249): ESPLGAKFQL[Ser239=]LASYCREREL